The following is an entry in ClinVar:

ClinVar aggregate classification (germline): Likely pathogenic (1 of 4 stars; one submission).

Conditions:
Mucopolysaccharidosis, MPS-III-B (MPS3B). Also called: MPS IIIB (Sanfilippo Syndrome Type B); N-ACETYL-ALPHA-D-GLUCOSAMINIDASE DEFICIENCY; NAGLU DEFICIENCY; SANFILIPPO SYNDROME B; MPS III B; Mucopolysaccharidosis type IIIB (Sanfilippo B). Identifiers: Orphanet 79270, MedGen C0086648, MONDO:0009656, OMIM 252920.

Submission:

Natera, Inc.
Classification: Likely pathogenic for Mucopolysaccharidosis type IIIB. Last evaluated: 2024-02-20. Review status: criteria provided, single submitter. Criteria: Natera Variant Classification Schema (03/2026). Collection method: clinical testing. Allele origin: germline.
Comment: The c.1144delG variant in NAGLU is a frameshift variant predicted to shift the reading frame beginning at codon 382 and leads to a stop codon 39 codons downstream. This variant is expected to result in nonsense mediated decay, truncation, or a dysfunctional protein product. This variant is rare in the general population with a frequency below the threshold expected for the associated phenotype(s). Given the available evidence, this variant is classified as Likely Pathogenic.

NM_000263.4(NAGLU):c.1144del (p.Asp382fs)

Gene: NAGLU (N-acetyl-alpha-glucosaminidase; plus strand). Cytogenetic location: 17q21.2.
Variant type: Deletion.
Coding change: c.1144del on transcript NM_000263.4 (MANE Select); coding-DNA position 1144, one base deleted (G; older notation c.1144delG).
Protein change: p.Asp382fs; shifts the reading frame from aspartic acid 382.
Molecular consequence: frameshift variant.
Genome position (GRCh38, 1-based): chr17:42,543,150, G deleted; the last of 2 consecutive G bases (chr17:42,543,149-42,543,150); deleting either gives the same sequence. VCF-style (leftmost placement, unchanged base first): chr17-42543148-TG-T. GRCh37 (hg19) VCF-style: chr17-40695166-TG-T.
Other names: short protein forms D382fs.
Identifiers: ClinVar variation 4818036 (VCV004818036.1).